The following is an entry in ClinVar:

NM_000245.4(MET):c.2812G>A (p.Val938Ile)

Gene: MET (MET proto-oncogene, receptor tyrosine kinase; plus strand). Cytogenetic location: 7q31.2.
Variant type: single nucleotide variant.
Coding change: c.2812G>A on transcript NM_000245.4 (MANE Select); coding-DNA position 2812, G replaced by A.
Protein change: p.Val938Ile; replaces valine 938 with isoleucine.
Molecular consequence: missense variant.
Genome position (GRCh38, 1-based): chr7:116,771,579, G>A. VCF-style: chr7-116771579-G-A. GRCh37 (hg19) VCF-style: chr7-116411633-G-A.
Other names: c.2866G>A, p.Val956Ile (NM_001127500.3); c.1522G>A, p.Val508Ile (NM_001324402.2); short protein forms V938I, V508I, V956I.
Identifiers: ClinVar variation 1797002 (VCV001797002.2), dbSNP rs2116992338, ClinGen allele CA368986559.
Genomic context (GRCh38, chr7:116,771,579, plus strand): 5'-ACCGTCCTTGGAAAAGTAATAGTTCAACCAGATCAGAATTTCACAGGATTGATTGCTGGT[G>A]TTGTCTCAATATCAACAGCACTGTTATTACTACTTGGGTTTTTCCTGTGGCTGAAAAAGA-3'
Protein context (NP_000236.2, residues 928-948): DQNFTGLIAG[Val938Ile]VSISTALLLL

ClinVar aggregate classification (germline): Uncertain significance (1 of 4 stars; one submission).

Conditions:
Hereditary cancer-predisposing syndrome. Also called: Tumor predisposition; Hereditary Cancer Syndrome; Neoplastic Syndromes, Hereditary; Hereditary neoplastic syndrome. Identifiers: Orphanet 140162, MedGen C0027672, MeSH D009386, MONDO:0015356.

Submission:

Ambry Genetics
Classification: Uncertain significance for Hereditary cancer-predisposing syndrome. Last evaluated: 2021-08-23. Review status: criteria provided, single submitter. Criteria: Ambry Variant Classification Scheme 2023. Collection method: clinical testing. Allele origin: germline.
Comment: The p.V956I variant (also known as c.2866G>A), located in coding exon 12 of the MET gene, results from a G to A substitution at nucleotide position 2866. The valine at codon 956 is replaced by isoleucine, an amino acid with highly similar properties. This amino acid position is not well conserved in available vertebrate species. In addition, this alteration is predicted to be tolerated by in silico analysis. Since supporting evidence is limited at this time, the clinical significance of this alteration remains unclear.